The following is an entry in ClinVar:

NM_177924.5(ASAH1):c.383-10_383-6del

Gene: ASAH1 (N-acylsphingosine amidohydrolase 1; minus strand). Cytogenetic location: 8p22.
Variant type: Microsatellite.
Coding change: c.383-10_383-6del on transcript NM_177924.5 (MANE Select); 10 bases into the intron before coding-DNA position 383 through 6 bases into the intron before coding-DNA position 383, 5 bases deleted (TTTCT; older notation c.383-10_383-6delTTTCT).
Molecular consequence: intron variant.
Genome position (GRCh38, 1-based): chr8:18,064,537-18,064,541, AGAAA deleted on the plus strand (TTTCT on the coding strand, the reverse complement: ASAH1 is on the minus strand); deleting any 5 consecutive bases within chr8:18,064,537-18,064,547 gives the same sequence; the c. name uses the placement nearest the transcript's 3' end. VCF-style (leftmost placement, unchanged base first): chr8-18064536-GAGAAA-G. GRCh37 (hg19) VCF-style: chr8-17922045-GAGAAA-G.
Other names: c.431-10_431-6del (NM_004315.6); c.365-10_365-6del (NM_001127505.3); c.188-10_188-6del (NM_001363743.2); c.383-16_383-12delTTTTC (NM_177924.5).
Identifiers: ClinVar variation 812484 (VCV000812484.1), dbSNP rs761372687, ClinGen allele CA4650865.
Genomic context (GRCh38, chr8:18,064,536, plus strand): 5'-TATTGAAGTACAAATGGTAAATAATTCATAAAAAATATTGAATGAAATAATCTCTCCTAT[GAGAAA>G]AGAAAATTTTGTGTTAATATACAGAACCATGACAATGGGAGAAAAATTTGTTTTAAGAAA-3'

ClinVar aggregate classification (germline): Pathogenic (1 of 4 stars; one submission).

Conditions:
Farber lipogranulomatosis (FRBRL). Also called: AC DEFICIENCY; ACID CERAMIDASE DEFICIENCY; CERAMIDASE DEFICIENCY; N-LAURYLSPHINGOSINE DEACYLASE DEFICIENCY; Farber's lipogranulomatosis; Farber's disease. Identifiers: Orphanet 333, MedGen C0268255, MONDO:0009218, OMIM 228000.

Submission:

Medical Affairs, Dicerna Pharmaceuticals
Classification: Pathogenic for Farber lipogranulomatosis. Last evaluated: 2019-06-19. Review status: criteria provided, single submitter. Criteria: ACMG Guidelines, 2015. Collection method: literature only. Allele origin: paternal. Inheritance: Autosomal recessive inheritance. Affected: yes. Observed: 1 variant allele.
Comment: Variant c.383-16_383-12delTTTTC is pathogenic based on the following rationale. Compound heterozygous variants in the ASAH1 gene were identified and biparental segregation was noted. It was revealed that RT-PCR analyses on RNA isolated from the patient's fibroblasts revealed skipping of exon 6 due to c.383-16_383-12delTTTTC. The exon 6 region of ASAH1 is responsible for cleavage of enzyme precursor thus leading to the severe phenotype demonstrated in this patient.

Using RNA obtained from normal control fibroblast and patient fibroblasts, it was determined that c.383-16_383-12delTTTTC PPT mutation would severely compromise identification of intron 5 branch site and 3 splice site by the spliceosome machinery, thus resulting in skipping of exon 6. Though exon 6 skipping does not change the translation reading frame, it excludes the site of cleavage (Ile142-Cys143) in the immature AC precursor thus resulting in inactivation of the enzyme.

Literature cited by the submitters: DOI 10.1111/cge.12316.